The following is an entry in ClinVar:

ClinVar aggregate classification (germline): Uncertain significance (1 of 4 stars; one submission).

Allele frequency attached by ClinVar (database versions not stated): TOPMed below 0.00001; gnomAD 0.00001; gnomAD exomes 0.00001.
gnomAD v4.1: 17 of 1,610,656 alleles (0.0011%); highest among the groups gnomAD compares: African/African-American, 0.0013%; no homozygotes.

Submission:

Labcorp Genetics (formerly Invitae), Labcorp
Classification: Uncertain significance. Last evaluated: 2023-04-24. Review status: criteria provided, single submitter. Criteria: Invitae Variant Classification Sherloc (09022015). Collection method: clinical testing. Allele origin: germline.
Comment: This sequence change replaces lysine, which is basic and polar, with arginine, which is basic and polar, at codon 99 of the CLUAP1 protein (p.Lys99Arg). This variant is present in population databases (no rsID available, gnomAD 0.002%). This variant has not been reported in the literature in individuals affected with CLUAP1-related conditions. ClinVar contains an entry for this variant (Variation ID: 1949752). Advanced modeling of protein sequence and biophysical properties (such as structural, functional, and spatial information, amino acid conservation, physicochemical variation, residue mobility, and thermodynamic stability) performed at Invitae indicates that this missense variant is not expected to disrupt CLUAP1 protein function. In summary, the available evidence is currently insufficient to determine the role of this variant in disease. Therefore, it has been classified as a Variant of Uncertain Significance.

NM_015041.3(CLUAP1):c.296A>G (p.Lys99Arg)

Gene: CLUAP1 (clusterin associated protein 1; plus strand). Cytogenetic location: 16p13.3.
Variant type: single nucleotide variant.
Coding change: c.296A>G on transcript NM_015041.3 (MANE Select); coding-DNA position 296, A replaced by G.
Protein change: p.Lys99Arg; replaces lysine 99 with arginine.
Molecular consequence: missense variant.
Genome position (GRCh38, 1-based): chr16:3,508,365, A>G. VCF-style: chr16-3508365-A-G. GRCh37 (hg19) VCF-style: chr16-3558365-A-G.
Other names: c.296A>G, p.Lys99Arg (NM_001330454.2); short protein forms K99R.
Identifiers: ClinVar variation 1949752 (VCV001949752.5), dbSNP rs912929687, ClinGen allele CA276924662.